The following is an entry in ClinVar:

NM_004415.4(DSP):c.5807A>G (p.Gln1936Arg)

Gene: DSP (desmoplakin; plus strand). Cytogenetic location: 6p24.3.
Variant type: single nucleotide variant.
Coding change: c.5807A>G on transcript NM_004415.4 (MANE Select); coding-DNA position 5807, A replaced by G.
Protein change: p.Gln1936Arg; replaces glutamine 1936 with arginine.
Molecular consequence: missense variant.
Genome position (GRCh38, 1-based): chr6:7,583,069, A>G. VCF-style: chr6-7583069-A-G. GRCh37 (hg19) VCF-style: chr6-7583302-A-G.
Other names: c.4010A>G, p.Gln1337Arg (NM_001008844.3); c.4478A>G, p.Gln1493Arg (NM_001319034.2); short protein forms Q1337R, Q1493R, Q1936R.
Identifiers: ClinVar variation 3273908 (VCV003273908.2).

ClinVar aggregate classification (germline): Uncertain significance. Review status: criteria provided, multiple submitters, no conflicts (2 of 4 stars). 2 submissions from 2 submitters: Uncertain significance (2). Last evaluated 2025-02-17.

Conditions:
Cardiomyopathy (CMYO). Also called: Cardiomyopathies. Identifiers: Orphanet 167848, MedGen C0878544, MONDO:0004994, HP:0001638. Inheritance: Various modes of inheritance.
Cardiovascular phenotype. Identifiers: MedGen CN230736.

gnomAD v4.1: 2 of 1,614,120 alleles (0.00012%); highest among the groups gnomAD compares: Non-Finnish European, 0.00017%; no homozygotes.

Submissions (2):

Color Diagnostics, LLC DBA Color Health
Classification: Uncertain significance for Cardiomyopathy. Last evaluated: 2025-02-17. Review status: criteria provided, single submitter. Criteria: ACMG Guidelines, 2015. Collection method: clinical testing. Allele origin: germline.
Comment: This missense variant replaces glutamine with arginine at codon 1936 of the DSP protein. Computational prediction suggests that this variant may not impact protein structure and function (internally defined REVEL score threshold <= 0.5, PMID: 27666373). To our knowledge, functional studies have not been reported for this variant. This variant has not been reported in individuals affected with DSP-related disorders in the literature. This variant has not been identified in the general population by the Genome Aggregation Database (gnomAD). The available evidence is insufficient to determine the role of this variant in disease conclusively. Therefore, this variant is classified as a Variant of Uncertain Significance.

Ambry Genetics
Classification: Uncertain significance for Cardiovascular phenotype. Last evaluated: 2024-04-12. Review status: criteria provided, single submitter. Criteria: Ambry Variant Classification Scheme 2023. Collection method: clinical testing. Allele origin: germline.